The following is an entry in ClinVar:

ClinVar aggregate classification (germline): Uncertain significance (1 of 4 stars; one submission).

Conditions:
Familial thoracic aortic aneurysm and aortic dissection (TAAD). Also called: Thoracic aortic aneurysms and dissections. Identifiers: Orphanet 91387, MedGen C4707243, MONDO:0019625.

Submission:

Ambry Genetics
Classification: Uncertain significance for Familial thoracic aortic aneurysm and aortic dissection. Last evaluated: 2025-10-27. Review status: criteria provided, single submitter. Criteria: Ambry Variant Classification Scheme 2023. Collection method: clinical testing. Allele origin: germline.
Comment: The p.E1787K variant (also known as c.5359G>A), located in coding exon 29 of the MYLK gene, results from a G to A substitution at nucleotide position 5359. The glutamic acid at codon 1787 is replaced by lysine, an amino acid with similar properties. This amino acid position is conserved. In addition, the in silico prediction for this alteration is inconclusive. Based on the available evidence, the clinical significance of this variant remains unclear.

NM_053025.4(MYLK):c.5359G>A (p.Glu1787Lys)

Genes: MYLK-AS1 (MYLK antisense RNA 1; plus strand), MYLK (myosin light chain kinase; minus strand). Cytogenetic location: 3q21.1.
Variant type: single nucleotide variant.
Coding change: c.5359G>A on transcript NM_053025.4 (MANE Select); coding-DNA position 5359, G replaced by A.
Protein change: p.Glu1787Lys; replaces glutamic acid 1787 with lysine.
Molecular consequence: missense variant.
Genome position (GRCh38, 1-based): chr3:123,620,216, C>T on the plus strand (G>A on the coding strand, the complement: MYLK is on the minus strand). VCF-style: chr3-123620216-C-T. GRCh37 (hg19) VCF-style: chr3-123339063-C-T.
Other names: c.4831G>A, p.Glu1611Lys (NM_001321309.2); c.79G>A, p.Glu27Lys (NM_001438035.1, NM_053031.4, NM_053032.4); c.5152G>A, p.Glu1718Lys (NM_053026.4); c.5206G>A, p.Glu1736Lys (NM_053027.4); c.4999G>A, p.Glu1667Lys (NM_053028.4); short protein forms E1667K, E1611K, E27K, E1736K, E1718K, E1787K.
Identifiers: ClinVar variation 4635444 (VCV004635444.1).
Genomic context (GRCh38, chr3:123,620,216, plus strand): 5'-GTTCCCCAGCCCTTTCTTTCTCACCAGCTGGCTGGAGAAACTCCTCCTTACCTTCAGATT[C>T]TAGTTTTTCTGCATTGAGCGGGCTGGTTGGTGACCCTGTTGAGGATTTCCTGCCACTGAG-3'
Protein context (NP_444253.3, residues 1777-1797): PTSPLNAEKL[Glu1787Lys]SEEDVSQAFL